The following is an entry in ClinVar:

ClinVar aggregate classification (germline): Uncertain significance. Review status: criteria provided, multiple submitters, no conflicts (2 of 4 stars). 3 submissions from 3 submitters: Uncertain significance (3). Last evaluated 2024-04-02.

Conditions:
ADA2-related disorder. Also called: ADA2-related condition.
Deficiency of adenosine deaminase 2. Also called: Adenosine Deaminase 2 Deficiency; VASCULITIS, AUTOINFLAMMATION, IMMUNODEFICIENCY, AND HEMATOLOGIC DEFECTS SYNDROME; Polyarteritis nodosa, childhoood-onset. Identifiers: Orphanet 404553, MedGen C3887654, MONDO:0014306, OMIM 615688, MONDO:0100317.
Sneddon syndrome (SNDNS). Also called: LIVEDO RETICULARIS AND CEREBROVASCULAR ACCIDENTS; Idiopathic livedo reticularis with systemic involvement. Identifiers: Orphanet 820, MedGen C0282492, MONDO:0008436, OMIM 182410.

Allele frequency attached by ClinVar (database versions not stated): gnomAD exomes below 0.00001 and 0.00001; ExAC 0.00003; TOPMed 0.00011; gnomAD 0.00012 and 0.00014.
gnomAD v4.1: 25 of 1,613,194 alleles (0.0015%); highest among the groups gnomAD compares: African/African-American, 0.032%; no homozygotes.

Submissions (3):

Fulgent Genetics
Classification: Uncertain significance for Sneddon syndrome; Deficiency of adenosine deaminase 2. Last evaluated: 2024-04-02. Review status: criteria provided, single submitter. Criteria: ACMG Guidelines, 2015. Collection method: clinical testing. Allele origin: germline.

PreventionGenetics, part of Exact Sciences
Classification: Uncertain significance for ADA2-related condition. Last evaluated: 2023-05-09. Review status: criteria provided, single submitter. Criteria: ACMG Guidelines, 2015. Collection method: clinical testing. Allele origin: germline.
Comment: The ADA2 c.1474A>G variant is predicted to result in the amino acid substitution p.Thr492Ala. To our knowledge, this variant has not been reported in the literature. This variant is reported in 0.024% of alleles in individuals of African descent in gnomAD. At this time, the clinical significance of this variant is uncertain due to the absence of conclusive functional and genetic evidence.

Labcorp Genetics (formerly Invitae), Labcorp
Classification: Uncertain significance for Deficiency of adenosine deaminase 2. Last evaluated: 2022-07-05. Review status: criteria provided, single submitter. Criteria: Invitae Variant Classification Sherloc (09022015). Collection method: clinical testing. Allele origin: germline.
Comment: This sequence change replaces threonine, which is neutral and polar, with alanine, which is neutral and non-polar, at codon 492 of the ADA2 protein (p.Thr492Ala). This variant is present in population databases (rs780459163, gnomAD 0.02%). This variant has not been reported in the literature in individuals affected with ADA2-related conditions. ClinVar contains an entry for this variant (Variation ID: 854562). Algorithms developed to predict the effect of missense changes on protein structure and function output the following: SIFT: "Tolerated"; PolyPhen-2: "Benign"; Align-GVGD: "Class C0". The alanine amino acid residue is found in multiple mammalian species, which suggests that this missense change does not adversely affect protein function. In summary, the available evidence is currently insufficient to determine the role of this variant in disease. Therefore, it has been classified as a Variant of Uncertain Significance.

NM_001282225.2(ADA2):c.1474A>G (p.Thr492Ala)

Gene: ADA2 (adenosine deaminase 2; minus strand). Cytogenetic location: 22q11.1.
Variant type: single nucleotide variant.
Coding change: c.1474A>G on transcript NM_001282225.2 (MANE Select); coding-DNA position 1474, A replaced by G.
Protein change: p.Thr492Ala; replaces threonine 492 with alanine.
Molecular consequence: missense variant.
Genome position (GRCh38, 1-based): chr22:17,181,545, T>C on the plus strand (A>G on the coding strand, the complement: ADA2 is on the minus strand). VCF-style: chr22-17181545-T-C. GRCh37 (hg19) VCF-style: chr22-17662435-T-C.
Other names: c.1474A>G, p.Thr492Ala (NM_001282226.2); c.1348A>G, p.Thr450Ala (NM_001282227.2, NM_001282228.2); c.1114A>G, p.Thr372Ala (NM_001282229.2); c.751A>G, p.Thr251Ala (NM_177405.3); short protein forms T450A, T492A, T251A, T372A.
Identifiers: ClinVar variation 854562 (VCV000854562.9), dbSNP rs780459163, ClinGen allele CA10087838.